The following is an entry in ClinVar:

NM_005219.5(DIAPH1):c.2525A>C (p.Gln842Pro)

Gene: DIAPH1 (diaphanous related formin 1; minus strand). Cytogenetic location: 5q31.3.
Variant type: single nucleotide variant.
Coding change: c.2525A>C on transcript NM_005219.5 (MANE Select); coding-DNA position 2525, A replaced by C.
Protein change: p.Gln842Pro; replaces glutamine 842 with proline.
Molecular consequence: missense variant.
Genome position (GRCh38, 1-based): chr5:141,534,391, T>G on the plus strand (A>C on the coding strand, the complement: DIAPH1 is on the minus strand). VCF-style: chr5-141534391-T-G. GRCh37 (hg19) VCF-style: chr5-140913958-T-G.
Other names: c.2498A>C, p.Gln833Pro (NM_001079812.3); c.2525A>C, p.Gln842Pro (NM_001314007.2); short protein forms Q842P, Q833P.
Identifiers: ClinVar variation 163072 (VCV000163072.19), dbSNP rs200220260, ClinGen allele CA175661.
Genomic context (GRCh38, chr5:141,534,391, plus strand): 5'-TCACAGAGATTCTGGGCTGTCTTTGAATCCAACACCTTTAACTCTTTTACTTTTTTCTTT[T>G]GCACAGATTTCTTTTCTTCTCCACCTTCTTGATCCTTCTTGGCTAGCAGGGAAAAGATTA-3'
Protein context (NP_005210.3, residues 832-852): QEGGEEKKSV[Gln842Pro]KKKVKELKVL

ClinVar aggregate classification (germline): Benign. Review status: criteria provided, multiple submitters, no conflicts (2 of 4 stars). 4 submissions from 4 submitters: Benign (4). Last evaluated 2026-02-01.

Conditions:
Autosomal dominant nonsyndromic hearing loss 1. Also called: DEAFNESS, AUTOSOMAL DOMINANT 1, WITH OR WITHOUT THROMBOCYTOPENIA; KONIGSMARK SYNDROME. Identifiers: Orphanet 90635, MedGen C1852282, MONDO:0007424, OMIM 124900.
Progressive microcephaly-seizures-cortical blindness-developmental delay syndrome. Also called: Seizures, cortical blindness, and microcephaly syndrome. Identifiers: Orphanet 477814, MedGen C5567650, MONDO:0014714, OMIM 616632.

Allele frequency attached by ClinVar (database versions not stated): gnomAD 0.00001 and 0.00082; TOPMed 0.00006; gnomAD exomes 0.00291; ExAC 0.00328; 1000 Genomes Project 30x 0.00406; 1000 Genomes Project 0.00459.
gnomAD v4.1: 2,200 of 1,613,954 alleles (0.14%); highest among the groups gnomAD compares: South Asian, 2.3%; 61 homozygotes.

Submissions (4):

Labcorp Genetics (formerly Invitae), Labcorp
Classification: Benign for Progressive microcephaly-seizures-cortical blindness-developmental delay syndrome; Autosomal dominant nonsyndromic hearing loss 1. Last evaluated: 2026-02-01. Review status: criteria provided, single submitter. Criteria: Invitae Variant Classification Sherloc (09022015). Collection method: clinical testing. Allele origin: germline.

GeneDx
Classification: Benign. Last evaluated: 2021-08-03. Review status: criteria provided, single submitter. Criteria: GeneDx Variant Classification Process June 2021. Collection method: clinical testing. Allele origin: germline. Affected: yes.

Illumina Laboratory Services, Illumina
Classification: Benign for Autosomal dominant nonsyndromic hearing loss 1. Last evaluated: 2018-01-13. Review status: criteria provided, single submitter. Criteria: ICSL Variant Classification Criteria 13 December 2019. Collection method: clinical testing. Allele origin: germline.
Comment: This variant was observed in the ICSL laboratory as part of a predisposition screen in an ostensibly healthy population. It had not been previously curated by ICSL or reported in the Human Gene Mutation Database (HGMD: prior to June 1st, 2018), and was therefore a candidate for classification through an automated scoring system. Utilizing variant allele frequency, disease prevalence and penetrance estimates, and inheritance mode, an automated score was calculated to assess if this variant is too frequent to cause the disease. Based on the score and internal cut-off values, a variant classified as benign is not then subjected to further curation. The score for this variant resulted in a classification of benign for this disease.

Laboratory for Molecular Medicine, Mass General Brigham Personalized Medicine
Classification: Benign. Last evaluated: 2016-04-22. Review status: criteria provided, single submitter. Criteria: LMM Criteria. Collection method: clinical testing. Allele origin: germline. Observed: 1 variant allele.
Comment: proposed classification - variant undergoing re-assessment, contact laboratory